The following is an entry in ClinVar:

ClinVar aggregate classification (germline): Uncertain significance. Review status: criteria provided, multiple submitters, no conflicts (2 of 4 stars). 2 submissions from 2 submitters: Uncertain significance (2). Last evaluated 2023-05-17.

Conditions:
Hereditary cancer-predisposing syndrome. Also called: Neoplastic Syndromes, Hereditary; Tumor predisposition; Hereditary Cancer Syndrome; Hereditary neoplastic syndrome. Identifiers: Orphanet 140162, MedGen C0027672, MeSH D009386, MONDO:0015356.
DICER1-related tumor predisposition. Also called: DICER1 syndrome; DICER1-related pleuropulmonary blastoma cancer predisposition syndrome. Identifiers: Orphanet 284343, MedGen C3839822, MONDO:0100216.

Submissions (2):

Labcorp Genetics (formerly Invitae), Labcorp
Classification: Uncertain significance for DICER1-related tumor predisposition. Last evaluated: 2023-05-17. Review status: criteria provided, single submitter. Criteria: Invitae Variant Classification Sherloc (09022015). Collection method: clinical testing. Allele origin: germline.
Comment: In summary, the available evidence is currently insufficient to determine the role of this variant in disease. Therefore, it has been classified as a Variant of Uncertain Significance. Algorithms developed to predict the effect of sequence changes on RNA splicing suggest that this variant may create or strengthen a splice site. Advanced modeling of protein sequence and biophysical properties (such as structural, functional, and spatial information, amino acid conservation, physicochemical variation, residue mobility, and thermodynamic stability) performed at Invitae indicates that this missense variant is expected to disrupt DICER1 protein function. ClinVar contains an entry for this variant (Variation ID: 1737596). This variant has not been reported in the literature in individuals affected with DICER1-related conditions. This variant is not present in population databases (gnomAD no frequency). This sequence change replaces glycine, which is neutral and non-polar, with arginine, which is basic and polar, at codon 1360 of the DICER1 protein (p.Gly1360Arg).

Ambry Genetics
Classification: Uncertain significance for Hereditary cancer-predisposing syndrome. Last evaluated: 2018-07-26. Review status: criteria provided, single submitter. Criteria: Ambry Variant Classification Scheme 2023. Collection method: clinical testing. Allele origin: germline.
Comment: The p.G1360R variant (also known as c.4078G>A), located in coding exon 21 of the DICER1 gene, results from a G to A substitution at nucleotide position 4078. The glycine at codon 1360 is replaced by arginine, an amino acid with dissimilar properties. This amino acid position is highly conserved in available vertebrate species. In addition, this alteration is predicted to be deleterious by in silico analysis. Since supporting evidence is limited at this time, the clinical significance of this alteration remains unclear.

NM_177438.3(DICER1):c.4078G>A (p.Gly1360Arg)

Gene: DICER1 (dicer 1, ribonuclease III; minus strand). Cytogenetic location: 14q32.13.
Variant type: single nucleotide variant.
Coding change: c.4078G>A on transcript NM_177438.3 (MANE Select); coding-DNA position 4078, G replaced by A.
Protein change: p.Gly1360Arg; replaces glycine 1360 with arginine.
Molecular consequence: missense variant. On other transcripts: non-coding transcript variant (6).
Genome position (GRCh38, 1-based): chr14:95,099,908, C>T on the plus strand (G>A on the coding strand, the complement: DICER1 is on the minus strand). VCF-style: chr14-95099908-C-T. GRCh37 (hg19) VCF-style: chr14-95566245-C-T.
Other names: c.4078G>A, p.Gly1360Arg (NM_001395681.1, NM_001395682.1, NM_001395683.1 and 13 more transcripts); c.3796G>A, p.Gly1266Arg (NM_001395686.1); c.3673G>A, p.Gly1225Arg (NM_001395687.1, NM_001395688.1, NM_001395689.1 and 2 more transcripts); c.3511G>A, p.Gly1171Arg (NM_001395691.1); c.2395G>A, p.Gly799Arg (NM_001395697.1); short protein forms G1360R, G1171R, G799R, G1225R, G1266R.
Identifiers: ClinVar variation 1737596 (VCV001737596.5), dbSNP rs2139903156, ClinGen allele CA390872236.
Genomic context (GRCh38, chr14:95,099,908, plus strand): 5'-AATTCACAGGGGGATCAAATATTGACACCACCATGCGGCTGGGTAGTCCCTTCTTTTTTC[C>T]AAGGCGATACAGATTACAGTTGCTGACCTTTAGCAGAAAATATTAGGATACTTATCCATA-3'
Protein context (NP_803187.1, residues 1350-1370): KVSNCNLYRL[Gly1360Arg]KKKGLPSRMV